The following is an entry in ClinVar:

NM_013291.3(CPSF1):c.4182C>T (p.Ala1394=)

Gene: CPSF1 (cleavage and polyadenylation specific factor 1; minus strand). Cytogenetic location: 8q24.3.
Variant type: single nucleotide variant.
Coding change: c.4182C>T on transcript NM_013291.3 (MANE Select); coding-DNA position 4182, C replaced by T.
Protein change: p.Ala1394=; no amino-acid change (alanine 1394 retained).
Molecular consequence: synonymous variant.
Genome position (GRCh38, 1-based): chr8:144,393,554, G>A on the plus strand (C>T on the coding strand, the complement: CPSF1 is on the minus strand). VCF-style: chr8-144393554-G-A. GRCh37 (hg19) VCF-style: chr8-145618769-G-A.
Other names: c.4182C>T (NM_013291.2).
Identifiers: ClinVar variation 4902086 (VCV004902086.2).
Genomic context (GRCh38, chr8:144,393,554, plus strand): 5'-CTCCATGGTGCTCAGGTACAGGTAGCGGTTGAGCAGCTCCCCATCCAGCACGTTGCGCAC[G>A]GCATTCTGGAGGGTGCGGCGGTCCACGTGCAGCATCCTGGGGCGTACAGGCACAGGTGTC-3'
Protein context (NP_037423.2, residues 1384-1404): LHVDRRTLQN[Ala1394=]VRNVLDGELL

ClinVar aggregate classification (germline): Likely benign. Review status: criteria provided, multiple submitters, no conflicts (2 of 4 stars). 2 submissions from 2 submitters: Likely benign (2). Last evaluated 2025-01-17.

Conditions:
CPSF1-related disorder. Also called: CPSF1-related condition.

gnomAD v4.1: 268 of 1,604,806 alleles (0.017%); highest among the groups gnomAD compares: African/African-American, 0.28%; no homozygotes.

Submissions (2):

PreventionGenetics, part of Exact Sciences
Classification: Likely benign for CPSF1-related condition. Last evaluated: 2025-01-17. Review status: criteria provided, single submitter. Criteria: ACMG Guidelines, 2015. Collection method: clinical testing. Allele origin: germline.
Comment: This variant is classified as likely benign based on ACMG/AMP sequence variant interpretation guidelines (Richards et al. 2015 PMID: 25741868, with internal and published modifications).

Blueprint Genetics
Classification: Likely benign. Last evaluated: 2022-09-13. Review status: criteria provided, single submitter. Criteria: ACMG Guidelines, 2015. Collection method: clinical testing. Allele origin: germline.